The following is an entry in ClinVar:

NM_000352.6(ABCC8):c.413-5G>A

Gene: ABCC8 (ATP binding cassette subfamily C member 8; minus strand). Cytogenetic location: 11p15.1.
Variant type: single nucleotide variant.
Coding change: c.413-5G>A on transcript NM_000352.6 (MANE Select); 5 bases into the intron before coding-DNA position 413, G replaced by A.
Molecular consequence: intron variant.
Genome position (GRCh38, 1-based): chr11:17,463,609, C>T on the plus strand (G>A on the coding strand, the complement: ABCC8 is on the minus strand). VCF-style: chr11-17463609-C-T. GRCh37 (hg19) VCF-style: chr11-17485156-C-T.
Other names: c.413-5G>A (NM_001351297.2, NM_001351296.2, NM_001351295.2 and 1 more transcripts).
Identifiers: ClinVar variation 35613 (VCV000035613.22), dbSNP rs186946111, ClinGen allele CA213453.

ClinVar aggregate classification (germline): Conflicting classifications of pathogenicity. Review status: criteria provided, conflicting classifications (1 of 4 stars). 9 submissions from 8 submitters: Uncertain significance (8); Likely benign (1). Last evaluated 2026-01-09.

Conditions:
Transitory neonatal diabetes mellitus. Also called: Transient neonatal diabetes mellitus. Identifiers: MedGen C0342273, MONDO:0020525, HP:0008255.
Inborn genetic diseases. Identifiers: MedGen C0950123, MeSH D030342.
Hyperinsulinemic hypoglycemia, familial, 1 (HHF1). Also called: NESIDIOBLASTOSIS OF PANCREAS; Persistent Hyperinsulinemia Hypoglycemia of Infancy; HYPERINSULINISM, FAMILIAL, WITH PANCREATIC NESIDIOBLASTOSIS; HYPOGLYCEMIA, HYPERINSULINEMIC, OF INFANCY; Persistent hyperinsulinemic hypoglycemia of infancy. Identifiers: Orphanet 276575, Orphanet 276598, MedGen C2931832, MONDO:0009734, OMIM 256450.
Leucine-induced hypoglycemia (LIH). Also called: LEUCINE-SENSITIVE HYPOGLYCEMIA OF INFANCY. Identifiers: MedGen C0271714, MONDO:0009415, OMIM 240800.
Type 2 diabetes mellitus. Also called: Type II diabetes mellitus. Identifiers: MedGen C0011860, MeSH D003924, MONDO:0005148, OMIM 125853, HP:0005978.
Diabetes mellitus, transient neonatal, 2 (TNDM2). Identifiers: Orphanet 99886, MedGen C1835887, MONDO:0012480, OMIM 610374. Disease mechanism: loss of function.
Permanent neonatal diabetes mellitus (PNDM). Identifiers: Orphanet 99885, MedGen C1833104, MONDO:0100164, MONDO:0011643. Disease mechanism: gain of function.
Maturity-onset diabetes of the young (MODY). Also called: Maturity onset diabetes mellitus in young. Identifiers: Orphanet 552, MedGen C0342276, MONDO:0018911, HP:0004904.

Allele frequency attached by ClinVar (database versions not stated): 1000 Genomes Project 30x 0.00031; 1000 Genomes Project 0.00040; TOPMed 0.00062; ExAC 0.00018; ESP Exome Variant Server 0.00100.
gnomAD v4.1: 171 of 1,569,874 alleles (0.011%); highest among the groups gnomAD compares: African/African-American, 0.19%; no homozygotes.

Submissions (9):

Labcorp Genetics (formerly Invitae), Labcorp
Classification: Likely benign. Last evaluated: 2026-01-09. Review status: criteria provided, single submitter. Criteria: Invitae Variant Classification Sherloc (09022015). Collection method: clinical testing. Allele origin: germline.

GeneDx
Classification: Uncertain significance. Last evaluated: 2025-06-13. Review status: criteria provided, single submitter. Criteria: GeneDx Variant Classification Process June 2021. Collection method: clinical testing. Allele origin: germline. Affected: yes.
Comment: Has not been previously published as pathogenic or benign to our knowledge; In silico analysis supports a deleterious effect on splicing

Women's Health and Genetics/Laboratory Corporation of America, LabCorp
Classification: Uncertain significance. Last evaluated: 2024-11-18. Review status: criteria provided, single submitter. Criteria: LabCorp Variant Classification Summary - May 2015. Collection method: clinical testing. Allele origin: germline.
Comment: Variant summary: ABCC8 c.413-5G>A alters a non-conserved nucleotide located close to a canonical splice site and therefore could affect mRNA splicing, leading to a significantly altered protein sequence. Several computational tools predict a significant impact on normal splicing: One predict the variant abolishes a 3' acceptor site. Two predict the variant weakens a 3' acceptor site. Four predict the variant creates a 3' acceptor site. However, these predictions have yet to be confirmed by functional studies. The variant allele was found at a frequency of 9.4e-05 in 180818 control chromosomes. This frequency is not significantly higher than estimated for a pathogenic variant in ABCC8 causing Familial Hyperinsulinism (9.4e-05 vs 0.0034), allowing no conclusion about variant significance. To our knowledge, no occurrence of c.413-5G>A in individuals affected with Familial Hyperinsulinism and no experimental evidence demonstrating its impact on protein function have been reported. ClinVar contains an entry for this variant (Variation ID: 35613). Based on the evidence outlined above, the variant was classified as uncertain significance.

Ambry Genetics
Classification: Uncertain significance for Inborn genetic diseases. Last evaluated: 2022-11-02. Review status: criteria provided, single submitter. Criteria: Ambry Variant Classification Scheme 2023. Collection method: clinical testing. Allele origin: germline.
Comment: The c.413-5G>A intronic alteration consists of a G to A substitution 5 nucleotides before exon 4 of the ABCC8 gene. Based on insufficient or conflicting evidence, the clinical significance of this alteration remains unclear.

Blueprint Genetics
Classification: Uncertain significance. Last evaluated: 2020-07-07. Review status: criteria provided, single submitter. Criteria: ACMG Guidelines, 2015. Collection method: clinical testing. Allele origin: germline.

Genetic Services Laboratory, University of Chicago
Classification: Uncertain significance. Last evaluated: 2019-06-17. Review status: criteria provided, single submitter. Criteria: ACMG Guidelines, 2015. Collection method: clinical testing. Allele origin: germline. Affected: no.

Fulgent Genetics
Classification: Uncertain significance for Type 2 diabetes mellitus; Leucine-induced hypoglycemia; Hyperinsulinemic hypoglycemia, familial, 1; Permanent neonatal diabetes mellitus 1; Diabetes mellitus, transient neonatal, 2. Last evaluated: 2018-10-31. Review status: criteria provided, single submitter. Criteria: ACMG Guidelines, 2015. Collection method: clinical testing. Allele origin: unknown.

Clinical Genomics, Uppaluri K&H Personalized Medicine Clinic
Classification: Uncertain significance for Maturity-onset diabetes of the young. Review status: criteria provided, single submitter. Criteria: K & H Uppaluri Personalized Medicine Clinic Variant Classification & Assertion Criteria_Updated V.1. Collection method: research. Allele origin: unknown. Inheritance: Somatic mutation.
Comment: Mutations in ABCC8 gene are associated with both neonatal diabetes mellitus as well as MODY. Patients with this mutation may have a better response to sulfonylureas. However, no sufficient evidence is found to ascertain the role of this particular variant ( rs186946111) in MODY yet.

Clinical Genomics, Uppaluri K&H Personalized Medicine Clinic
Classification: Uncertain significance for Transitory neonatal diabetes mellitus. Review status: criteria provided, single submitter. Criteria: K & H Uppaluri Personalized Medicine Clinic Variant Classification & Assertion Criteria_Updated V.1. Collection method: research. Allele origin: unknown. Inheritance: Somatic mutation.
Comment: Mutations in ABCC8 gene are associated with both neonatal diabetes mellitus as well as MODY. Patients with this mutation may have a better response to sulfonylureas. However, no sufficient evidence is found to ascertain the role of this particular variant (rs186946111) in neonatal diabetes yet.

Literature cited by the submitters: PubMed 16885549 (cited by Clinical Genomics, Uppaluri K&H Personalized Medicine Clinic); PubMed 21989597 (cited by Clinical Genomics, Uppaluri K&H Personalized Medicine Clinic); PubMed 27538677 (cited by Clinical Genomics, Uppaluri K&H Personalized Medicine Clinic); PubMed 18981553 (cited by Clinical Genomics, Uppaluri K&H Personalized Medicine Clinic); PubMed 32027066 (cited by Clinical Genomics, Uppaluri K&H Personalized Medicine Clinic); PubMed 16613899 (cited by Clinical Genomics, Uppaluri K&H Personalized Medicine Clinic); PubMed 18025408 (cited by Clinical Genomics, Uppaluri K&H Personalized Medicine Clinic); PubMed 32792356 (cited by Clinical Genomics, Uppaluri K&H Personalized Medicine Clinic).